The following is an entry in ClinVar:

ClinVar aggregate classification (germline): Uncertain significance (1 of 4 stars; one submission).

Conditions:
Familial melanoma. Also called: Hereditary melanoma; Hereditary cutaneous melanoma. Identifiers: Orphanet 618, MedGen C1512419, MONDO:0018961.

Allele frequency attached by ClinVar (database versions not stated): gnomAD 0.00001; TOPMed 0.00001; 1000 Genomes Project 30x 0.00016; 1000 Genomes Project 0.00020.

Submission:

Labcorp Genetics (formerly Invitae), Labcorp
Classification: Uncertain significance for Familial melanoma. Last evaluated: 2022-04-23. Review status: criteria provided, single submitter. Criteria: Invitae Variant Classification Sherloc (09022015). Collection method: clinical testing. Allele origin: germline.
Comment: In summary, the available evidence is currently insufficient to determine the role of this variant in disease. Therefore, it has been classified as a Variant of Uncertain Significance. Algorithms developed to predict the effect of sequence changes on RNA splicing suggest that this variant may create or strengthen a splice site. Algorithms developed to predict the effect of missense changes on protein structure and function (SIFT, PolyPhen-2, Align-GVGD) all suggest that this variant is likely to be disruptive. This variant is also known as c.207G>T (p.Gly69=) in CDKN2A (p14ARF) transcript. This missense change has been observed in individual(s) with melanoma (PMID: 26681309). This variant is not present in population databases (gnomAD no frequency). This sequence change replaces glycine, which is neutral and non-polar, with valine, which is neutral and non-polar, at codon 55 of the CDKN2A (p16INK4a) protein (p.Gly55Val). The CDKN2A gene encodes two different proteins, p16INK4a and p14ARF, which are translated from alternative transcripts with different open reading frames. Both transcripts have been analyzed. We report either the variant with the higher classification or default to the CDKN2A (p16INK4a) variant. This report therefore includes the details for the CDKN2A (p16INK4a) variant.

Literature cited by the submitters: PubMed 26681309.

NM_000077.5(CDKN2A):c.164G>T (p.Gly55Val)

Gene: CDKN2A (cyclin dependent kinase inhibitor 2A; minus strand). Cytogenetic location: 9p21.3.
Variant type: single nucleotide variant.
Coding change: c.164G>T on transcript NM_000077.5; coding-DNA position 164, G replaced by T.
Protein change: p.Gly55Val; replaces glycine 55 with valine.
Molecular consequence: missense variant (on NM_000077.6). On other transcripts: synonymous variant (1), 3 prime UTR variant (1).
Genome position (GRCh38, 1-based): chr9:21,971,195, C>A on the plus strand (G>T on the coding strand, the complement: CDKN2A is on the minus strand). VCF-style: chr9-21971195-C-A. GRCh37 (hg19) VCF-style: chr9-21971194-C-A.
Other names: c.164G>T, p.Gly55Val (NM_000077.6, NM_001195132.2); c.11G>T, p.Gly4Val (NM_001363763.2); c.207G>T, p.Gly69= (NM_058195.4); c.*87G>T (NM_058197.5); short protein forms G4V, G55V.
Identifiers: ClinVar variation 2136747 (VCV002136747.4), dbSNP rs561034503, ClinGen allele CA190730399.
Genomic context (GRCh38, chr9:21,971,195, plus strand): 5'-GGGTCGGCGCAGTTGGGCTCCGCGCCGTGGAGCAGCAGCAGCTCCGCCACTCGGGCGCTG[C>A]CCATCATCATGACCTGCCAGAGAGAACAGAATGGTCAGAGCCAGGGTGGGGGCCGGCATG-3'
Protein context (NP_000068.1, residues 45-65): GRRPIQVMMM[Gly55Val]SARVAELLLL